The following is an entry in ClinVar:

NM_006348.5(COG5):c.1184G>A (p.Arg395His)

Gene: COG5 (component of oligomeric golgi complex 5; minus strand). Cytogenetic location: 7q22.3.
Variant type: single nucleotide variant.
Coding change: c.1184G>A on transcript NM_006348.5 (MANE Select); coding-DNA position 1184, G replaced by A.
Protein change: p.Arg395His; replaces arginine 395 with histidine.
Molecular consequence: missense variant.
Genome position (GRCh38, 1-based): chr7:107,298,271, C>T on the plus strand (G>A on the coding strand, the complement: COG5 is on the minus strand). VCF-style: chr7-107298271-C-T. GRCh37 (hg19) VCF-style: chr7-106938716-C-T.
Other names: c.1184G>A, p.Arg395His (NM_001161520.2, NM_001379511.1, NM_001379512.1 and 3 more transcripts); c.614G>A, p.Arg205His (NM_001379515.1); c.470G>A, p.Arg157His (NM_001379516.1); short protein forms R205H, R395H, R157H.
Identifiers: ClinVar variation 1422545 (VCV001422545.5), dbSNP rs142357535, ClinGen allele CA4430983.

ClinVar aggregate classification (germline): Uncertain significance (1 of 4 stars; one submission).

Conditions:
COG5-congenital disorder of glycosylation. Also called: COG5-CDG; CONGENITAL DISORDER OF GLYCOSYLATION, TYPE IIi; CDG IIi. Identifiers: Orphanet 263487, MedGen C3150876, MONDO:0013325, OMIM 613612.

Allele frequency attached by ClinVar (database versions not stated): gnomAD exomes 0.00006 and 0.00014; ExAC 0.00019; gnomAD 0.00036 and 0.00037; TOPMed 0.00038; ESP Exome Variant Server 0.00046; 1000 Genomes Project 30x 0.00078; 1000 Genomes Project 0.00080.
gnomAD v4.1: 137 of 1,613,396 alleles (0.0085%); highest among the groups gnomAD compares: African/African-American, 0.12%; 1 homozygote.

Submission:

Labcorp Genetics (formerly Invitae), Labcorp
Classification: Uncertain significance for COG5-congenital disorder of glycosylation. Last evaluated: 2022-09-27. Review status: criteria provided, single submitter. Criteria: Invitae Variant Classification Sherloc (09022015). Collection method: clinical testing. Allele origin: germline.
Comment: This sequence change replaces arginine, which is basic and polar, with histidine, which is basic and polar, at codon 426 of the COG5 protein (p.Arg426His). This variant is present in population databases (rs142357535, gnomAD 0.1%). This variant has not been reported in the literature in individuals affected with COG5-related conditions. ClinVar contains an entry for this variant (Variation ID: 1422545). Algorithms developed to predict the effect of missense changes on protein structure and function are either unavailable or do not agree on the potential impact of this missense change (SIFT: "Tolerated"; PolyPhen-2: "Probably Damaging"; Align-GVGD: "Class C0"). In summary, the available evidence is currently insufficient to determine the role of this variant in disease. Therefore, it has been classified as a Variant of Uncertain Significance.